The following is an entry in ClinVar:

NM_006516.4(SLC2A1):c.1069C>G (p.Leu357Val)

Gene: SLC2A1 (solute carrier family 2 member 1; minus strand). Cytogenetic location: 1p34.2.
Variant type: single nucleotide variant.
Coding change: c.1069C>G on transcript NM_006516.4 (MANE Select); coding-DNA position 1069, C replaced by G.
Protein change: p.Leu357Val; replaces leucine 357 with valine.
Molecular consequence: missense variant.
Genome position (GRCh38, 1-based): chr1:42,928,937, G>C on the plus strand (C>G on the coding strand, the complement: SLC2A1 is on the minus strand). VCF-style: chr1-42928937-G-C. GRCh37 (hg19) VCF-style: chr1-43394608-G-C.
Other names: short protein forms L357V.
Identifiers: ClinVar variation 3898955 (VCV003898955.1).

ClinVar aggregate classification (germline): Uncertain significance (1 of 4 stars; one submission).

Submission:

GeneDx
Classification: Uncertain significance. Last evaluated: 2024-11-07. Review status: criteria provided, single submitter. Criteria: GeneDx Variant Classification Process June 2021. Collection method: clinical testing. Allele origin: germline. Affected: yes.
Comment: Not observed at significant frequency in large population cohorts (gnomAD); In silico analysis indicates that this missense variant does not alter protein structure/function; Has not been previously published as pathogenic or benign to our knowledge